The following is an entry in ClinVar:

ClinVar aggregate classification (germline): Benign/Likely benign. Review status: criteria provided, multiple submitters, no conflicts (2 of 4 stars). 3 submissions from 3 submitters: Benign (1); Likely benign (2). Last evaluated 2019-10-10.

Conditions:
Hereditary spastic paraplegia 5A (SPG5A). Also called: SPASTIC PARAPLEGIA 5A, AUTOSOMAL RECESSIVE. Identifiers: Orphanet 100986, MedGen C1849115, MONDO:0010047, OMIM 270800.

Allele frequency attached by ClinVar (database versions not stated): gnomAD exomes 0.00143; gnomAD 0.01519 and 0.01638; 1000 Genomes Project 0.01777; TOPMed 0.01807; 1000 Genomes Project 30x 0.01921.
gnomAD v4.1: 4,205 of 1,378,016 alleles (0.31%); highest among the groups gnomAD compares: African/African-American, 5%; 115 homozygotes.

Submissions (3):

GeneDx
Classification: Likely benign. Last evaluated: 2019-10-10. Review status: criteria provided, single submitter. Criteria: GeneDx Variant Classification Process June 2021. Collection method: clinical testing. Allele origin: germline. Affected: yes.

Illumina Laboratory Services, Illumina
Classification: Benign for Hereditary spastic paraplegia 5A. Last evaluated: 2018-01-12. Review status: criteria provided, single submitter. Criteria: ICSL Variant Classification Criteria 13 December 2019. Collection method: clinical testing. Allele origin: germline.
Comment: This variant was observed in the ICSL laboratory as part of a predisposition screen in an ostensibly healthy population. It had not been previously curated by ICSL or reported in the Human Gene Mutation Database (HGMD: prior to June 1st, 2018), and was therefore a candidate for classification through an automated scoring system. Utilizing variant allele frequency, disease prevalence and penetrance estimates, and inheritance mode, an automated score was calculated to assess if this variant is too frequent to cause the disease. Based on the score and internal cut-off values, a variant classified as benign is not then subjected to further curation. The score for this variant resulted in a classification of benign for this disease.

Breakthrough Genomics
Classification: Likely benign. Review status: criteria provided, single submitter. Criteria: ACMG Guidelines, 2015. Collection method: not provided. Allele origin: germline. Inheritance: Autosomal recessive inheritance. Affected: yes.

NM_004820.5(CYP7B1):c.-89C>G

Genes: CYP7B1 (cytochrome P450 family 7 subfamily B member 1; minus strand), LOC130000508 (ATAC-STARR-seq lymphoblastoid silent region 19244; plus strand). Cytogenetic location: 8q12.3.
Variant type: single nucleotide variant.
Coding change: c.-89C>G on transcript NM_004820.5 (MANE Select); 89 bases upstream of the start codon, C replaced by G.
Molecular consequence: 5 prime UTR variant.
Genome position (GRCh38, 1-based): chr8:64,798,676, G>C on the plus strand (C>G on the coding strand, the complement: CYP7B1 is on the minus strand). VCF-style: chr8-64798676-G-C. GRCh37 (hg19) VCF-style: chr8-65711233-G-C.
Other names: c.-89C>G (NM_001324112.2).
Identifiers: ClinVar variation 363593 (VCV000363593.8), dbSNP rs6994347, ClinGen allele CA10628221.
Genomic context (GRCh38, chr8:64,798,676, plus strand): 5'-CCCGGGGTCTGCCTGCGAACAGCGCGGTCGGCGACTCTGCAGCCTGCGGCGGCTTCTCTC[G>C]GCGGCGCCCCCTAGTCCAGGGCCGGAGAGGCTGGCCTGCCCGCAGCGCAGACAGGAATGT-3'